The following is an entry in ClinVar:

ClinVar aggregate classification (germline): Uncertain significance (1 of 4 stars; one submission).

gnomAD v4.1: 2 of 1,613,584 alleles (0.00012%); highest among the groups gnomAD compares: South Asian, 0.0011%; no homozygotes.

Submission:

CeGaT Center for Human Genetics Tuebingen
Classification: Uncertain significance. Last evaluated: 2026-05-01. Review status: criteria provided, single submitter. Criteria: CeGaT Center For Human Genetics Tuebingen Variant Classification Criteria Version 2. Collection method: clinical testing. Allele origin: germline. Affected: yes. Observed: 1 variant allele.
Comment: ANKRD11: PM2:Supporting, BP4

NM_013275.6(ANKRD11):c.3155T>G (p.Phe1052Cys)

Gene: ANKRD11 (ankyrin repeat domain 11; minus strand). Cytogenetic location: 16q24.3.
Variant type: single nucleotide variant.
Coding change: c.3155T>G on transcript NM_013275.6 (MANE Select); coding-DNA position 3155, T replaced by G.
Protein change: p.Phe1052Cys; replaces phenylalanine 1052 with cysteine.
Molecular consequence: missense variant.
Genome position (GRCh38, 1-based): chr16:89,283,387, A>C on the plus strand (T>G on the coding strand, the complement: ANKRD11 is on the minus strand). VCF-style: chr16-89283387-A-C. GRCh37 (hg19) VCF-style: chr16-89349795-A-C.
Other names: c.3155T>G, p.Phe1052Cys (NM_001256182.2, NM_001256183.2); short protein forms F1052C.
Identifiers: ClinVar variation 4874929 (VCV004874929.2).